The following is an entry in ClinVar:

NM_000384.3(APOB):c.5092A>G (p.Ser1698Gly)

Gene: APOB (apolipoprotein B; minus strand). Cytogenetic location: 2p24.1.
Variant type: single nucleotide variant.
Coding change: c.5092A>G on transcript NM_000384.3 (MANE Select); coding-DNA position 5092, A replaced by G.
Protein change: p.Ser1698Gly; replaces serine 1698 with glycine.
Molecular consequence: missense variant.
Genome position (GRCh38, 1-based): chr2:21,011,776, T>C on the plus strand (A>G on the coding strand, the complement: APOB is on the minus strand). VCF-style: chr2-21011776-T-C. GRCh37 (hg19) VCF-style: chr2-21234648-T-C.
Other names: short protein forms S1698G.
Identifiers: ClinVar variation 4862740 (VCV004862740.1).

ClinVar aggregate classification (germline): Uncertain significance (1 of 4 stars; one submission).

Conditions:
Cardiovascular phenotype. Identifiers: MedGen CN230736.

Submission:

Ambry Genetics
Classification: Uncertain significance for Cardiovascular phenotype. Last evaluated: 2026-06-09. Review status: criteria provided, single submitter. Criteria: Ambry Variant Classification Scheme 2023. Collection method: clinical testing. Allele origin: germline.
Comment: The p.S1698G variant (also known as c.5092A>G), located in coding exon 26 of the APOB gene, results from an A to G substitution at nucleotide position 5092. The serine at codon 1698 is replaced by glycine, an amino acid with similar properties. This amino acid position is conserved. In addition, this alteration is predicted to be tolerated by in silico analysis. Based on the available evidence, the clinical significance of this variant remains unclear.